The following is an entry in ClinVar:

NM_013372.7(GREM1):c.152A>G (p.Gln51Arg)

Gene: GREM1 (gremlin 1, DAN family BMP antagonist; plus strand). Cytogenetic location: 15q13.3.
Variant type: single nucleotide variant.
Coding change: c.152A>G on transcript NM_013372.7 (MANE Select); coding-DNA position 152, A replaced by G.
Protein change: p.Gln51Arg; replaces glutamine 51 with arginine.
Molecular consequence: missense variant. On other transcripts: intron variant (2).
Genome position (GRCh38, 1-based): chr15:32,730,842, A>G. VCF-style: chr15-32730842-A-G. GRCh37 (hg19) VCF-style: chr15-33023043-A-G.
Other names: c.152A>G, p.Gln51Arg (NM_001368719.1); c.114+38A>G (NM_001191323.2); c.28-86A>G (NM_001191322.2); short protein forms Q51R.
Identifiers: ClinVar variation 3522514 (VCV003522514.1).

ClinVar aggregate classification (germline): Uncertain significance (1 of 4 stars; one submission).

Conditions:
Hereditary cancer-predisposing syndrome. Also called: Hereditary Cancer Syndrome; Hereditary neoplastic syndrome; Tumor predisposition; Neoplastic Syndromes, Hereditary. Identifiers: Orphanet 140162, MedGen C0027672, MeSH D009386, MONDO:0015356.

Submission:

Ambry Genetics
Classification: Uncertain significance for Hereditary cancer-predisposing syndrome. Last evaluated: 2024-09-30. Review status: criteria provided, single submitter. Criteria: Ambry Variant Classification Scheme 2023. Collection method: clinical testing. Allele origin: germline.
Comment: The p.Q51R variant (also known as c.152A>G), located in coding exon 1 of the GREM1 gene, results from an A to G substitution at nucleotide position 152. The glutamine at codon 51 is replaced by arginine, an amino acid with highly similar properties. This amino acid position is conserved. In addition, this alteration is predicted to be tolerated by in silico analysis. Based on the available evidence, the clinical significance of this variant remains unclear.